The following is an entry in ClinVar:

NM_080680.3(COL11A2):c.5042A>T (p.Tyr1681Phe)

Gene: COL11A2 (collagen type XI alpha 2 chain; minus strand). Cytogenetic location: 6p21.32.
Variant type: single nucleotide variant.
Coding change: c.5042A>T on transcript NM_080680.3 (MANE Select); coding-DNA position 5042, A replaced by T.
Protein change: p.Tyr1681Phe; replaces tyrosine 1681 with phenylalanine.
Molecular consequence: missense variant.
Genome position (GRCh38, 1-based): chr6:33,164,295, T>A on the plus strand (A>T on the coding strand, the complement: COL11A2 is on the minus strand). VCF-style: chr6-33164295-T-A. GRCh37 (hg19) VCF-style: chr6-33132072-T-A.
Other names: c.4862A>T, p.Tyr1621Phe (NM_001424108.1); c.4196A>T, p.Tyr1399Phe (NM_001424109.1); c.4016A>T, p.Tyr1339Phe (NM_001424110.1, NM_001424111.1); c.2996A>T, p.Tyr999Phe (NM_001424112.1); c.4721A>T, p.Tyr1574Phe (NM_080679.3); c.4784A>T, p.Tyr1595Phe (NM_080681.3); short protein forms Y1339F, Y1399F, Y1574F, Y1595F, Y1621F, Y999F, Y1681F.
Identifiers: ClinVar variation 5001686 (VCV005001686.1).

ClinVar aggregate classification (germline): Uncertain significance (1 of 4 stars; one submission).

Conditions:
COL11A2-related disorder. Also called: COL11A2-related condition; COL11A2-related disorders.

Submission:

PreventionGenetics, part of Exact Sciences
Classification: Uncertain significance for COL11A2-related condition. Last evaluated: 2025-12-15. Review status: criteria provided, single submitter. Criteria: ACMG Guidelines, 2015. Collection method: clinical testing. Allele origin: germline.
Comment: The COL11A2 c.5042A>T variant is predicted to result in the amino acid substitution p.Tyr1681Phe. To our knowledge, this variant has not been reported in the literature or in a large population database (gnomAD), indicating this variant is rare. At this time, the clinical significance of this variant is uncertain due to the absence of conclusive functional and genetic evidence.